The following is an entry in ClinVar:

ClinVar aggregate classification (germline): Uncertain significance. Review status: criteria provided, multiple submitters, no conflicts (2 of 4 stars). 3 submissions from 3 submitters: Uncertain significance (3). Last evaluated 2024-11-15.

Conditions:
Inborn genetic diseases. Identifiers: MedGen C0950123, MeSH D030342.

Allele frequency attached by ClinVar (database versions not stated): ExAC 0.00005; gnomAD 0.00005 and 0.00006; TOPMed 0.00006; ESP Exome Variant Server 0.00008; gnomAD exomes 0.00009 and 0.00030.
gnomAD v4.1: 431 of 1,612,602 alleles (0.027%); highest among the groups gnomAD compares: Non-Finnish European, 0.036%; no homozygotes.

Submissions (3):

Blueprint Genetics
Classification: Uncertain significance. Last evaluated: 2024-11-15. Review status: criteria provided, single submitter. Criteria: ACMG Guidelines, 2015. Collection method: clinical testing. Allele origin: germline.

Ambry Genetics
Classification: Uncertain significance for Inborn genetic diseases. Last evaluated: 2024-03-25. Review status: criteria provided, single submitter. Criteria: Ambry Variant Classification Scheme 2023. Collection method: clinical testing. Allele origin: germline.

Labcorp Genetics (formerly Invitae), Labcorp
Classification: Uncertain significance. Last evaluated: 2022-06-11. Review status: criteria provided, single submitter. Criteria: Invitae Variant Classification Sherloc (09022015). Collection method: clinical testing. Allele origin: germline.
Comment: This sequence change replaces methionine, which is neutral and non-polar, with threonine, which is neutral and polar, at codon 225 of the RTN4IP1 protein (p.Met225Thr). This variant is present in population databases (rs376618706, gnomAD 0.02%). This variant has not been reported in the literature in individuals affected with RTN4IP1-related conditions. ClinVar contains an entry for this variant (Variation ID: 965094). Algorithms developed to predict the effect of missense changes on protein structure and function are either unavailable or do not agree on the potential impact of this missense change (SIFT: "Deleterious"; PolyPhen-2: "Benign"; Align-GVGD: "Class C0"). In summary, the available evidence is currently insufficient to determine the role of this variant in disease. Therefore, it has been classified as a Variant of Uncertain Significance.

NM_032730.5(RTN4IP1):c.674T>C (p.Met225Thr)

Gene: RTN4IP1 (reticulon 4 interacting protein 1; minus strand). Cytogenetic location: 6q21.
Variant type: single nucleotide variant.
Coding change: c.674T>C on transcript NM_032730.5 (MANE Select); coding-DNA position 674, T replaced by C.
Protein change: p.Met225Thr; replaces methionine 225 with threonine.
Molecular consequence: missense variant.
Genome position (GRCh38, 1-based): chr6:106,592,296, A>G on the plus strand (T>C on the coding strand, the complement: RTN4IP1 is on the minus strand). VCF-style: chr6-106592296-A-G. GRCh37 (hg19) VCF-style: chr6-107040171-A-G.
Other names: c.374T>C, p.Met125Thr (NM_001318746.1); short protein forms M225T, M125T.
Identifiers: ClinVar variation 965094 (VCV000965094.8), dbSNP rs376618706, ClinGen allele CA3944395.